The following is an entry in ClinVar:

NM_000041.4(APOE):c.739C>G (p.Leu247Val)

Gene: APOE (apolipoprotein E; plus strand). Cytogenetic location: 19q13.32.
Variant type: single nucleotide variant.
Coding change: c.739C>G on transcript NM_000041.4 (MANE Select); coding-DNA position 739, C replaced by G.
Protein change: p.Leu247Val; replaces leucine 247 with valine.
Molecular consequence: missense variant.
Genome position (GRCh38, 1-based): chr19:44,909,035, C>G. VCF-style: chr19-44909035-C-G. GRCh37 (hg19) VCF-style: chr19-45412292-C-G.
Other names: c.817C>G, p.Leu273Val (NM_001302688.2); c.739C>G, p.Leu247Val (NM_001302689.2, NM_001302690.2, NM_001302691.2); short protein forms L273V, L247V.
Identifiers: ClinVar variation 1758697 (VCV001758697.2), dbSNP rs2513542435, ClinGen allele CA406304918.

ClinVar aggregate classification (germline): Uncertain significance (1 of 4 stars; one submission).

Conditions:
Cardiovascular phenotype. Identifiers: MedGen CN230736.

Allele frequency attached by ClinVar (database versions not stated): gnomAD exomes 0.00001.

Submission:

Ambry Genetics
Classification: Uncertain significance for Cardiovascular phenotype. Last evaluated: 2021-11-28. Review status: criteria provided, single submitter. Criteria: Ambry Variant Classification Scheme 2023. Collection method: clinical testing. Allele origin: germline.
Comment: The p.L247V variant (also known as c.739C>G), located in coding exon 3 of the APOE gene, results from a C to G substitution at nucleotide position 739. The leucine at codon 247 is replaced by valine, an amino acid with highly similar properties. This amino acid position is conserved. In addition, this alteration is predicted to be tolerated by in silico analysis. Since supporting evidence is limited at this time, the clinical significance of this alteration remains unclear.